The following is an entry in ClinVar:

ClinVar aggregate classification (germline): Conflicting classifications of pathogenicity. Review status: criteria provided, conflicting classifications (1 of 4 stars). 15 submissions from 12 submitters: Uncertain significance (4); Benign (5); Likely benign (6). Last evaluated 2026-05-15.

Conditions:
Hereditary cancer-predisposing syndrome. Also called: Tumor predisposition; Neoplastic Syndromes, Hereditary; Hereditary Cancer Syndrome; Hereditary neoplastic syndrome. Identifiers: Orphanet 140162, MedGen C0027672, MeSH D009386, MONDO:0015356.
Café-au-lait macules with pulmonary stenosis (WTSN). Also called: PULMONIC STENOSIS WITH CAFE-AU-LAIT SPOTS. Identifiers: MedGen C0553586, MONDO:0008672, OMIM 193520.
Neurofibromatosis, familial spinal (FSNF). Identifiers: Orphanet 636, MedGen C1834235, MONDO:0008078, OMIM 162210. Disease mechanism: loss of function.
Neurofibromatosis, type 1 (NF1). Also called: Peripheral type neurofibromatosis; Neurofibromatosis, type I; NEUROFIBROMATOSIS, TYPE I, SOMATIC; VON RECKLINGHAUSEN DISEASE. Identifiers: Orphanet 636, MedGen C0027831, MONDO:0018975, OMIM 162200. Disease mechanism: loss of function.
Neurofibromatosis-Noonan syndrome (NFNS). Also called: NEUROFIBROMATOSIS WITH NOONAN PHENOTYPE. Identifiers: Orphanet 638, MedGen C2931482, MONDO:0011035, OMIM 601321. Disease mechanism: loss of function.

Allele frequency attached by ClinVar (database versions not stated): gnomAD exomes 0.00015 and 0.00034; gnomAD 0.00017 and 0.00019; TOPMed 0.00018; ExAC 0.00031; ESP Exome Variant Server 0.00038.
gnomAD v4.1: 259 of 1,614,054 alleles (0.016%); highest among the groups gnomAD compares: Admixed American, 0.01%; 3 homozygotes.

Submissions (15):

Myriad Genetics, Inc.
Classification: Benign for Neurofibromatosis, type 1. Last evaluated: 2026-05-15. Review status: criteria provided, single submitter. Criteria: Myriad Autosomal Dominant, Autosomal Recessive and X-Linked Classification Criteria (2023). Collection method: clinical testing. Allele origin: unknown.
Comment: This variant is considered benign. This variant is a silent/synonymous amino acid change and it is not expected to impact splicing.

Labcorp Genetics (formerly Invitae), Labcorp
Classification: Benign for Neurofibromatosis, type 1. Last evaluated: 2026-01-27. Review status: criteria provided, single submitter. Criteria: Invitae Variant Classification Sherloc (09022015). Collection method: clinical testing. Allele origin: germline.

CeGaT Center for Human Genetics Tuebingen
Classification: Likely benign. Last evaluated: 2025-03-01. Review status: criteria provided, single submitter. Criteria: CeGaT Center For Human Genetics Tuebingen Variant Classification Criteria Version 2. Collection method: clinical testing. Allele origin: germline. Affected: yes. Observed: 1 variant allele.
Comment: NF1: BP4, BP7

Blueprint Genetics
Classification: Likely benign. Last evaluated: 2024-06-26. Review status: criteria provided, single submitter. Criteria: ACMG Guidelines, 2015. Collection method: clinical testing. Allele origin: germline.

Women's Health and Genetics/Laboratory Corporation of America, LabCorp
Classification: Benign. Last evaluated: 2023-12-26. Review status: criteria provided, single submitter. Criteria: LabCorp Variant Classification Summary - May 2015. Collection method: clinical testing. Allele origin: germline.

Institute for Biomarker Research, Medical Diagnostic Laboratories, L.L.C.
Classification: Likely benign for Hereditary cancer-predisposing syndrome. Last evaluated: 2023-10-10. Review status: criteria provided, single submitter. Criteria: ACMG Guidelines, 2015. Collection method: clinical testing. Allele origin: germline.

Sema4
Classification: Benign for Hereditary cancer-predisposing syndrome. Last evaluated: 2021-04-28. Review status: criteria provided, single submitter. Criteria: Sema4 Curation Guidelines. Collection method: curation. Allele origin: germline.

GeneDx
Classification: Likely benign. Last evaluated: 2020-10-19. Review status: criteria provided, single submitter. Criteria: GeneDx Variant Classification Process June 2021. Collection method: clinical testing. Allele origin: germline. Affected: yes.

Genetic Services Laboratory, University of Chicago
Classification: Benign. Last evaluated: 2019-05-24. Review status: criteria provided, single submitter. Criteria: ACMG Guidelines, 2015. Collection method: clinical testing. Allele origin: germline. Affected: no.

PreventionGenetics, part of Exact Sciences
Classification: Likely benign. Last evaluated: 2017-07-11. Review status: criteria provided, single submitter. Criteria: ACMG Guidelines, 2015. Collection method: clinical testing. Allele origin: germline.

Illumina Laboratory Services, Illumina
Classification: Uncertain significance for Neurofibromatosis-Noonan syndrome. Last evaluated: 2017-04-27. Review status: criteria provided, single submitter. Criteria: ICSL Variant Classification Criteria 13 December 2019. Collection method: clinical testing. Allele origin: germline.

Illumina Laboratory Services, Illumina
Classification: Uncertain significance for Neurofibromatosis, type 1. Last evaluated: 2017-04-27. Review status: criteria provided, single submitter. Criteria: ICSL Variant Classification Criteria 13 December 2019. Collection method: clinical testing. Allele origin: germline.

Illumina Laboratory Services, Illumina
Classification: Uncertain significance for Café-au-lait macules with pulmonary stenosis. Last evaluated: 2017-04-27. Review status: criteria provided, single submitter. Criteria: ICSL Variant Classification Criteria 13 December 2019. Collection method: clinical testing. Allele origin: germline.

Illumina Laboratory Services, Illumina
Classification: Uncertain significance for Neurofibromatosis, familial spinal. Last evaluated: 2017-04-27. Review status: criteria provided, single submitter. Criteria: ICSL Variant Classification Criteria 13 December 2019. Collection method: clinical testing. Allele origin: germline.

Ambry Genetics
Classification: Likely benign for Hereditary cancer-predisposing syndrome. Last evaluated: 2014-09-08. Review status: criteria provided, single submitter. Criteria: Ambry Autosomal Dominant and X-Linked criteria (10/2015). Collection method: clinical testing. Allele origin: germline. Observed: 1 variant allele.

Literature cited by the submitters: PubMed 10678181 (cited by Women's Health and Genetics/Laboratory Corporation of America, LabCorp); PubMed 23460398 (cited by Women's Health and Genetics/Laboratory Corporation of America, LabCorp); PubMed 29872168 (cited by Women's Health and Genetics/Laboratory Corporation of America, LabCorp).

NM_001042492.3(NF1):c.1032A>G (p.Leu344=)

Gene: NF1 (neurofibromin 1; plus strand). Cytogenetic location: 17q11.2.
Variant type: single nucleotide variant.
Coding change: c.1032A>G on transcript NM_001042492.3 (MANE Select); coding-DNA position 1032, A replaced by G.
Protein change: p.Leu344=; no amino-acid change (leucine 344 retained).
Molecular consequence: synonymous variant.
Genome position (GRCh38, 1-based): chr17:31,200,565, A>G. VCF-style: chr17-31200565-A-G. GRCh37 (hg19) VCF-style: chr17-29527583-A-G.
Other names: c.1032A>G, p.Leu344= (NM_001128147.3, NM_000267.4).
Identifiers: ClinVar variation 184189 (VCV000184189.33), dbSNP rs199832006, ClinGen allele CA188135.